The following is an entry in ClinVar:

NM_000089.4(COL1A2):c.1402G>C (p.Val468Leu)

Gene: COL1A2 (collagen type I alpha 2 chain; plus strand). Cytogenetic location: 7q21.3.
Variant type: single nucleotide variant.
Coding change: c.1402G>C on transcript NM_000089.4 (MANE Select); coding-DNA position 1402, G replaced by C.
Protein change: p.Val468Leu; replaces valine 468 with leucine.
Molecular consequence: missense variant.
Genome position (GRCh38, 1-based): chr7:94,412,119, G>C. VCF-style: chr7-94412119-G-C. GRCh37 (hg19) VCF-style: chr7-94041431-G-C.
Other names: short protein forms V468L.
Identifiers: ClinVar variation 5034725 (VCV005034725.1).

ClinVar aggregate classification (germline): Uncertain significance (1 of 4 stars; one submission).

Conditions:
Cardiovascular phenotype. Identifiers: MedGen CN230736.

Submission:

Ambry Genetics
Classification: Uncertain significance for Cardiovascular phenotype. Last evaluated: 2026-06-25. Review status: criteria provided, single submitter. Criteria: Ambry Variant Classification Scheme 2023. Collection method: clinical testing. Allele origin: germline.
Comment: The p.V468L variant (also known as c.1402G>C), located in coding exon 24 of the COL1A2 gene, results from a G to C substitution at nucleotide position 1402. The valine at codon 468 is replaced by leucine, an amino acid with highly similar properties. This amino acid position is conserved. In addition, this alteration is predicted to be tolerated by in silico analysis. Based on the available evidence, the clinical significance of this variant remains unclear.